The following is an entry in ClinVar:

NM_004369.4(COL6A3):c.5527T>C (p.Phe1843Leu)

Gene: COL6A3 (collagen type VI alpha 3 chain; minus strand). Cytogenetic location: 2q37.3.
Variant type: single nucleotide variant.
Coding change: c.5527T>C on transcript NM_004369.4 (MANE Select); coding-DNA position 5527, T replaced by C.
Protein change: p.Phe1843Leu; replaces phenylalanine 1843 with leucine.
Molecular consequence: missense variant.
Genome position (GRCh38, 1-based): chr2:237,366,009, A>G on the plus strand (T>C on the coding strand, the complement: COL6A3 is on the minus strand). VCF-style: chr2-237366009-A-G. GRCh37 (hg19) VCF-style: chr2-238274652-A-G.
Other names: c.3706T>C, p.Phe1236Leu (NM_057166.5); c.4909T>C, p.Phe1637Leu (NM_057167.4); short protein forms F1236L, F1637L, F1843L.
Identifiers: ClinVar variation 4074419 (VCV004074419.1).

ClinVar aggregate classification (germline): Uncertain significance (1 of 4 stars; one submission).

gnomAD v4.1: 6 of 1,613,678 alleles (0.00037%); highest among the groups gnomAD compares: Non-Finnish European, 0.00042%; no homozygotes.

Submission:

GeneDx
Classification: Uncertain significance. Last evaluated: 2025-01-21. Review status: criteria provided, single submitter. Criteria: GeneDx Variant Classification Process June 2021. Collection method: clinical testing. Allele origin: germline. Affected: yes.
Comment: Not observed at significant frequency in large population cohorts (gnomAD); In silico analysis supports that this missense variant has a deleterious effect on protein structure/function; Has not been previously published as pathogenic or benign to our knowledge